The following is an entry in ClinVar:

ClinVar aggregate classification (germline): Uncertain significance (1 of 4 stars; one submission).

Allele frequency attached by ClinVar (database versions not stated): TOPMed below 0.00001; gnomAD 0.00001; gnomAD exomes below 0.00001.

Submission:

GeneDx
Classification: Uncertain significance. Last evaluated: 2020-01-13. Review status: criteria provided, single submitter. Criteria: GeneDx Variant Classification Process June 2021. Collection method: clinical testing. Allele origin: germline. Affected: yes.
Comment: Not observed in large population cohorts (Lek et al., 2016); The majority of missense variants in this gene are considered pathogenic (Stenson et al., 2014); In silico analysis, which includes protein predictors and evolutionary conservation, supports that this variant does not alter protein structure/function; Has not been previously published as pathogenic or benign to our knowledge

NM_000543.5(SMPD1):c.856G>A (p.Val286Ile)

Gene: SMPD1 (sphingomyelin phosphodiesterase 1; plus strand). Cytogenetic location: 11p15.4.
Variant type: single nucleotide variant.
Coding change: c.856G>A on transcript NM_000543.5 (MANE Select); coding-DNA position 856, G replaced by A.
Protein change: p.Val286Ile; replaces valine 286 with isoleucine.
Molecular consequence: missense variant. On other transcripts: 5 prime UTR variant (1), non-coding transcript variant (1).
Genome position (GRCh38, 1-based): chr11:6,391,921, G>A. VCF-style: chr11-6391921-G-A. GRCh37 (hg19) VCF-style: chr11-6413151-G-A.
Other names: c.853G>A, p.Val285Ile (NM_001007593.3); c.856G>A, p.Val286Ile (NM_001318087.2, NM_001365135.2); c.-106G>A (NM_001318088.2); short protein forms V285I, V286I.
Identifiers: ClinVar variation 1311866 (VCV001311866.2), dbSNP rs1191633349, ClinGen allele CA379371157.